The following is an entry in ClinVar:

NM_173660.5(DOK7):c.54+31_54+33del

Gene: DOK7 (docking protein 7; plus strand). Cytogenetic location: 4p16.3.
Variant type: Deletion.
Coding change: c.54+31_54+33del on transcript NM_173660.5 (MANE Select); bases 31 to 33 of the intron after coding-DNA position 54, 3 bases deleted (GGG; older notation c.54+31_54+33delGGG).
Molecular consequence: intron variant.
Genome position (GRCh38, 1-based): chr4:3,463,460-3,463,462, GGG deleted; deleting any 3 consecutive bases within chr4:3,463,451-3,463,462 gives the same sequence; the c. name uses the placement nearest the transcript's 3' end. VCF-style (leftmost placement, unchanged base first): chr4-3463450-CGGG-C. GRCh37 (hg19) VCF-style: chr4-3465177-CGGG-C.
Other names: p.?; c.54+31_54+33del (NM_001301071.2, NM_001363811.2, NM_001164673.2).
Identifiers: ClinVar variation 702078 (VCV000702078.12), dbSNP rs71180187, ClinGen allele CA2828828.

ClinVar aggregate classification (germline): Benign/Likely benign. Review status: criteria provided, multiple submitters, no conflicts (2 of 4 stars). 2 submissions from 2 submitters: Benign (1); Likely benign (1). Last evaluated 2026-01-12.

Conditions:
Fetal akinesia deformation sequence 1 (FADS1). Also called: Fetal akinesia sequence; Pena-Shokeir syndrome type I. Identifiers: Orphanet 994, MedGen C1276035, MONDO:0100101, OMIM 208150, HP:0001989.
Congenital myasthenic syndrome 10. Also called: Myasthenia, limb-girdle, familial. Identifiers: Orphanet 590, MedGen C1850792, MONDO:0009690, OMIM 254300.

Submissions (2):

Labcorp Genetics (formerly Invitae), Labcorp
Classification: Benign for Congenital myasthenic syndrome 10; Fetal akinesia deformation sequence 1. Last evaluated: 2026-01-12. Review status: criteria provided, single submitter. Criteria: Invitae Variant Classification Sherloc (09022015). Collection method: clinical testing. Allele origin: germline.

Mayo Clinic Laboratories, Mayo Clinic
Classification: Likely benign. Last evaluated: 2025-03-11. Review status: criteria provided, single submitter. Criteria: ACMG Guidelines, 2015. Collection method: clinical testing. Allele origin: germline. Observed: 2 variant alleles.
Comment: BS1, BP4, BP7